The following is an entry in ClinVar:

ClinVar aggregate classification (germline): Likely benign (1 of 4 stars; one submission).

Conditions:
Amyotrophic lateral sclerosis type 10 (ALS10). Also called: TARDBP-Related Amyotrophic Lateral Sclerosis-Frontotemporal Dementia; Amyotrophic lateral sclerosis 10, with or without FTD; AMYOTROPHIC LATERAL SCLEROSIS 10 WITHOUT FRONTOTEMPORAL DEMENTIA AND WITH TDP43 INCLUSIONS; AMYOTROPHIC LATERAL SCLEROSIS 10 WITH OR WITHOUT FRONTOTEMPORAL DEMENTIA AND WITH TDP43 INCLUSIONS; AMYOTROPHIC LATERAL SCLEROSIS 10 WITH OR WITHOUT FRONTOTEMPORAL DEMENTIA. Identifiers: Orphanet 275872, Orphanet 803, MedGen C2677565, MONDO:0012790, OMIM 612069.

Allele frequency attached by ClinVar (database versions not stated): TOPMed 0.00019; gnomAD 0.00026 and 0.00028; 1000 Genomes Project 0.00120; 1000 Genomes Project 30x 0.00141.
gnomAD v4.1: 42 of 152,626 alleles (0.028%); highest among the groups gnomAD compares: African/African-American, 0.094%; no homozygotes.

Submission:

Illumina Laboratory Services, Illumina
Classification: Likely benign for Amyotrophic lateral sclerosis type 10. Last evaluated: 2018-01-13. Review status: criteria provided, single submitter. Criteria: ICSL Variant Classification Criteria 13 December 2019. Collection method: clinical testing. Allele origin: germline.
Comment: This variant was observed in the ICSL laboratory as part of a predisposition screen in an ostensibly healthy population. It had not been previously curated by ICSL or reported in the Human Gene Mutation Database (HGMD: prior to June 1st, 2018), and was therefore a candidate for classification through an automated scoring system. Utilizing variant allele frequency, disease prevalence and penetrance estimates, and inheritance mode, an automated score was calculated to assess if this variant is too frequent to cause the disease. Based on the score and internal cut-off values, a variant classified as likely benign is not then subjected to further curation. The score for this variant resulted in a classification of likely benign for this disease.

NM_007375.4(TARDBP):c.*2333C>T

Gene: TARDBP (TAR DNA binding protein; plus strand). Cytogenetic location: 1p36.22.
Variant type: single nucleotide variant.
Coding change: c.*2333C>T on transcript NM_007375.4 (MANE Select); 2333 bases downstream of the stop codon, C replaced by T.
Molecular consequence: 3 prime UTR variant.
Genome position (GRCh38, 1-based): chr1:11,024,987, C>T. VCF-style: chr1-11024987-C-T. GRCh37 (hg19) VCF-style: chr1-11085044-C-T.
Identifiers: ClinVar variation 874800 (VCV000874800.4), dbSNP rs138320721, ClinGen allele CA17878216.